The following is an entry in ClinVar:

ClinVar aggregate classification (germline): Conflicting classifications of pathogenicity. Review status: criteria provided, conflicting classifications (1 of 4 stars). 5 submissions from 5 submitters: Uncertain significance (3); Likely benign (2). Last evaluated 2025-07-03.

Conditions:
Familial thoracic aortic aneurysm and aortic dissection (TAAD). Also called: Thoracic aortic aneurysms and dissections. Identifiers: Orphanet 91387, MedGen C4707243, MONDO:0019625.
Hereditary cancer-predisposing syndrome. Also called: Neoplastic Syndromes, Hereditary; Hereditary neoplastic syndrome; Hereditary Cancer Syndrome; Tumor predisposition. Identifiers: Orphanet 140162, MedGen C0027672, MeSH D009386, MONDO:0015356.
Juvenile polyposis syndrome (JPS). Identifiers: Orphanet 2929, MedGen C0345893, MONDO:0017380, OMIM 174900.
Juvenile polyposis/hereditary hemorrhagic telangiectasia syndrome (JPHT). Also called: JP/HHT SYNDROME; JUVENILE POLYPOSIS WITH HEREDITARY HEMORRHAGIC TELANGIECTASIA; POLYPOSIS, GENERALIZED JUVENILE, WITH PULMONARY ARTERIOVENOUS MALFORMATION; TELANGIECTASIA, HEREDITARY HEMORRHAGIC, WITH JUVENILE POLYPOSIS COLI; Juvenile Polyposis Syndrome / Hereditary Hemorrhagic Telangiectasia (JPS/HHT). Identifiers: Orphanet 2929, MedGen C1832942, MONDO:0008278, OMIM 175050.

Allele frequency attached by ClinVar (database versions not stated): gnomAD exomes below 0.00001 and 0.00001; ExAC 0.00002.
gnomAD v4.1: 5 of 1,614,060 alleles (0.00031%); highest among the groups gnomAD compares: South Asian, 0.0022%; no homozygotes.

Submissions (5):

Color Diagnostics, LLC DBA Color Health
Classification: Likely benign for Hereditary cancer-predisposing syndrome. Last evaluated: 2025-07-03. Review status: criteria provided, single submitter. Criteria: ACMG Guidelines, 2015. Collection method: clinical testing. Allele origin: germline.

Ambry Genetics
Classification: Likely benign for Hereditary cancer-predisposing syndrome; Familial thoracic aortic aneurysm and aortic dissection. Last evaluated: 2024-10-28. Review status: criteria provided, single submitter. Criteria: Ambry Variant Classification Scheme 2023. Collection method: clinical testing. Allele origin: germline.

Labcorp Genetics (formerly Invitae), Labcorp
Classification: Uncertain significance for Juvenile polyposis syndrome. Last evaluated: 2023-12-18. Review status: criteria provided, single submitter. Criteria: Invitae Variant Classification Sherloc (09022015). Collection method: clinical testing. Allele origin: germline.
Comment: This sequence change replaces serine, which is neutral and polar, with leucine, which is neutral and non-polar, at codon 191 of the SMAD4 protein (p.Ser191Leu). This variant is present in population databases (rs752575871, gnomAD 0.006%). This variant has not been reported in the literature in individuals affected with SMAD4-related conditions. ClinVar contains an entry for this variant (Variation ID: 825928). Advanced modeling of protein sequence and biophysical properties (such as structural, functional, and spatial information, amino acid conservation, physicochemical variation, residue mobility, and thermodynamic stability) has been performed at Invitae for this missense variant, however the output from this modeling did not meet the statistical confidence thresholds required to predict the impact of this variant on SMAD4 protein function. In summary, the available evidence is currently insufficient to determine the role of this variant in disease. Therefore, it has been classified as a Variant of Uncertain Significance.

GeneDx
Classification: Uncertain significance. Last evaluated: 2023-04-04. Review status: criteria provided, single submitter. Criteria: GeneDx Variant Classification Process June 2021. Collection method: clinical testing. Allele origin: germline. Affected: yes.
Comment: Not observed at significant frequency in large population cohorts (gnomAD); In silico analysis supports that this missense variant does not alter protein structure/function; Observed in a child with combined pituitary hormone deficiency who was also found to have a de novo loss-of-function variant in BMP4 (Rodrguez-Contreras et al., 2019); This variant is associated with the following publications: (PMID: 25769001, 15235019, 18823382, 22992590, 31120642)

All of Us Research Program, National Institutes of Health
Classification: Uncertain significance for Juvenile polyposis/hereditary hemorrhagic telangiectasia syndrome. Last evaluated: 2023-03-04. Review status: criteria provided, single submitter. Criteria: ACMG Guidelines, 2015. Collection method: clinical testing. Allele origin: germline. Inheritance: Autosomal dominant inheritance. Observed: 2 variant alleles, 2 heterozygotes.
Comment: This missense variant replaces serine with leucine at codon 191 of the SMAD4 protein. Computational prediction suggests that this variant may not impact protein structure and function (internally defined REVEL score threshold <= 0.5, PMID: 27666373). Splice site prediction tools suggest that this variant may not impact RNA splicing. To our knowledge, functional studies have not been performed for this variant. This variant has not been reported in individuals affected with hereditary cancer in the literature. This variant has been identified in 2/251486 chromosomes in the general population by the Genome Aggregation Database (gnomAD). The available evidence is insufficient to determine the role of this variant in disease conclusively. Therefore, this variant is classified as a Variant of Uncertain Significance.

This study involves interpretation of variants in research participants for the purpose of population health screening. Participant phenotype was not available at the time of variant classification. Additional details can be found in publication PMID: 35346344, PMCID: PMC8962531

NM_005359.6(SMAD4):c.572C>T (p.Ser191Leu)

Gene: SMAD4 (SMAD family member 4; plus strand). Cytogenetic location: 18q21.2.
Variant type: single nucleotide variant.
Coding change: c.572C>T on transcript NM_005359.6 (MANE Select); coding-DNA position 572, C replaced by T.
Protein change: p.Ser191Leu; replaces serine 191 with leucine.
Molecular consequence: missense variant.
Genome position (GRCh38, 1-based): chr18:51,054,898, C>T. VCF-style: chr18-51054898-C-T. GRCh37 (hg19) VCF-style: chr18-48581268-C-T.
Other names: short protein forms S191L.
Identifiers: ClinVar variation 825928 (VCV000825928.21), dbSNP rs752575871, ClinGen allele CA8965832.